The following is an entry in ClinVar:

NC_000016.10:g.67430908G>A

Gene: HSD11B2 (hydroxysteroid 11-beta dehydrogenase 2; plus strand). Cytogenetic location: 16q22.1.
Variant type: single nucleotide variant.
Genome position: GRCh38 VCF-style: chr16-67430908-G-A. GRCh37 (hg19) VCF-style: chr16-67464811-G-A.
Identifiers: ClinVar variation 1208628 (VCV001208628.4), dbSNP rs45598932, ClinGen allele CA282318936.

ClinVar aggregate classification (germline): Likely benign (1 of 4 stars; one submission).

Allele frequency attached by ClinVar (database versions not stated): 1000 Genomes Project 30x 0.01858; gnomAD exomes 0.02053; 1000 Genomes Project 0.02057; gnomAD 0.02577 and 0.02600; TOPMed 0.02582.

Submission:

GeneDx
Classification: Likely benign. Last evaluated: 2019-11-26. Review status: criteria provided, single submitter. Criteria: GeneDx Variant Classification Process June 2021. Collection method: clinical testing. Allele origin: germline. Affected: yes.
Comment: This variant is associated with the following publications: (PMID: 17551100)